The following is an entry in ClinVar:

NM_152564.5(VPS13B):c.3220C>T (p.Gln1074Ter)

Gene: VPS13B (vacuolar protein sorting 13 homolog B; plus strand). Cytogenetic location: 8q22.2.
Variant type: single nucleotide variant.
Coding change: c.3220C>T on transcript NM_152564.5 (MANE Select); coding-DNA position 3220, C replaced by T.
Protein change: p.Gln1074Ter; replaces glutamine 1074 with a stop codon.
Molecular consequence: nonsense.
Genome position (GRCh38, 1-based): chr8:99,442,410, C>T. VCF-style: chr8-99442410-C-T. GRCh37 (hg19) VCF-style: chr8-100454638-C-T.
Other names: c.3220C>T, p.Gln1074Ter (NM_017890.5); short protein forms Q1074*.
Identifiers: ClinVar variation 5007361 (VCV005007361.2).
Genomic context (GRCh38, chr8:99,442,410, plus strand): 5'-AAGGCATATTTAGTCTAATCCGAATATTTTAATTCTGCTTTTCTTTTCTAGCTTGAAGTA[C>T]AATCTTGTTGTGTGTTTATTCCAAATGATAGCCTGCCTTCCCCAAGTACAATTGTATCTG-3'

ClinVar aggregate classification (germline): Likely pathogenic (1 of 4 stars; one submission).

Conditions:
Cohen syndrome (COH1). Also called: PEPPER SYNDROME; Cutis verticis gyrata, retinitis pigmentosa, and sensorineural deafness. Identifiers: Orphanet 193, MedGen C0265223, MONDO:0008999, OMIM 216550.

gnomAD v4.1: 2 of 1,613,568 alleles (0.00012%); highest among the groups gnomAD compares: East Asian, 0.0045%; no homozygotes.

Submission:

Juno Genomics, Hangzhou Juno Genomics, Inc
Classification: Likely pathogenic for Cohen syndrome. Review status: criteria provided, single submitter. Criteria: ACMG Guidelines, 2015. Collection method: clinical testing. Allele origin: germline.
Comment: Null variant in a gene where loss of function (LOF) is a known mechanism of disease.;Absent from controls (or at extremely low frequency if recessive) in Genome Aggregation Database.